The following is an entry in ClinVar:

ClinVar aggregate classification (germline): Likely benign. Review status: criteria provided, multiple submitters, no conflicts (2 of 4 stars). 5 submissions from 5 submitters: Likely benign (4). 1 of the submissions does not count toward it. Last evaluated 2026-02-04.

Conditions:
Epidermolysis bullosa dystrophica inversa, autosomal recessive. Identifiers: MedGen C2673612.

Allele frequency attached by ClinVar (database versions not stated): ESP Exome Variant Server 0.00015; 1000 Genomes Project 30x 0.00016; 1000 Genomes Project 0.00020; TOPMed 0.00023.
gnomAD v4.1: 373 of 1,612,394 alleles (0.023%); highest among the groups gnomAD compares: Middle Eastern, 0.54%; 2 homozygotes.

Submissions (5):

Labcorp Genetics (formerly Invitae), Labcorp
Classification: Likely benign. Last evaluated: 2026-02-04. Review status: criteria provided, single submitter. Criteria: Invitae Variant Classification Sherloc (09022015). Collection method: clinical testing. Allele origin: germline.

Blueprint Genetics
Classification: Likely benign. Last evaluated: 2024-10-24. Review status: criteria provided, single submitter. Criteria: ACMG Guidelines, 2015. Collection method: clinical testing. Allele origin: germline.

CeGaT Center for Human Genetics Tuebingen
Classification: Likely benign. Last evaluated: 2022-11-01. Review status: criteria provided, single submitter. Criteria: CeGaT Center For Human Genetics Tuebingen Variant Classification Criteria Version 2. Collection method: clinical testing. Allele origin: germline. Affected: yes. Observed: 2 variant alleles.
Comment: COL7A1: BP4, BP7

Breakthrough Genomics
Classification: Likely benign. Review status: criteria provided, single submitter. Criteria: ACMG Guidelines, 2015. Collection method: not provided. Allele origin: germline. Inheritance: Autosomal recessive inheritance. Affected: yes.

Natera, Inc.
Classification: Likely benign for Autosomal recessive epidermolysis bullosa dystrophica inversa. Last evaluated: 2019-12-31. Review status: no assertion criteria provided. Collection method: clinical testing. Allele origin: germline. Not counted in ClinVar's aggregate classification.

NM_000094.4(COL7A1):c.2634C>T (p.Arg878=)

Gene: COL7A1 (collagen type VII alpha 1 chain; minus strand). Cytogenetic location: 3p21.31.
Variant type: single nucleotide variant.
Coding change: c.2634C>T on transcript NM_000094.4 (MANE Select); coding-DNA position 2634, C replaced by T.
Protein change: p.Arg878=; no amino-acid change (arginine 878 retained).
Molecular consequence: synonymous variant.
Genome position (GRCh38, 1-based): chr3:48,588,358, G>A on the plus strand (C>T on the coding strand, the complement: COL7A1 is on the minus strand). VCF-style: chr3-48588358-G-A. GRCh37 (hg19) VCF-style: chr3-48625791-G-A.
Identifiers: ClinVar variation 728707 (VCV000728707.43), dbSNP rs201412774, ClinGen allele CA2380808.